The following is an entry in ClinVar:

NM_000064.4(C3):c.4139C>A (p.Ala1380Asp)

Gene: C3 (complement C3; minus strand). Cytogenetic location: 19p13.3.
Variant type: single nucleotide variant.
Coding change: c.4139C>A on transcript NM_000064.4 (MANE Select); coding-DNA position 4139, C replaced by A.
Protein change: p.Ala1380Asp; replaces alanine 1380 with aspartic acid.
Molecular consequence: missense variant.
Genome position (GRCh38, 1-based): chr19:6,684,421, G>T on the plus strand (C>A on the coding strand, the complement: C3 is on the minus strand). VCF-style: chr19-6684421-G-T. GRCh37 (hg19) VCF-style: chr19-6684432-G-T.
Other names: short protein forms A1380D.
Identifiers: ClinVar variation 2813936 (VCV002813936.3), dbSNP rs1276818404, ClinGen allele CA403616674.

ClinVar aggregate classification (germline): Uncertain significance (1 of 4 stars; one submission).

gnomAD v4.1: 1 of 1,613,808 alleles (0.000062%); highest among the groups gnomAD compares: Non-Finnish European, 0.000085%; no homozygotes.

Submission:

Labcorp Genetics (formerly Invitae), Labcorp
Classification: Uncertain significance. Last evaluated: 2022-11-16. Review status: criteria provided, single submitter. Criteria: Invitae Variant Classification Sherloc (09022015). Collection method: clinical testing. Allele origin: germline.
Comment: This sequence change replaces alanine, which is neutral and non-polar, with aspartic acid, which is acidic and polar, at codon 1380 of the C3 protein (p.Ala1380Asp). In summary, the available evidence is currently insufficient to determine the role of this variant in disease. Therefore, it has been classified as a Variant of Uncertain Significance. Advanced modeling of protein sequence and biophysical properties (such as structural, functional, and spatial information, amino acid conservation, physicochemical variation, residue mobility, and thermodynamic stability) performed at Invitae indicates that this missense variant is not expected to disrupt C3 protein function. This variant has not been reported in the literature in individuals affected with C3-related conditions. This variant is not present in population databases (gnomAD no frequency).